The following is an entry in ClinVar:

ClinVar aggregate classification (germline): Conflicting classifications of pathogenicity. Review status: criteria provided, conflicting classifications (1 of 4 stars). 7 submissions from 7 submitters: Uncertain significance (1); Benign (2); Likely benign (4). Last evaluated 2026-10-01.

Conditions:
Inborn genetic diseases. Identifiers: MedGen C0950123, MeSH D030342.

Allele frequency attached by ClinVar (database versions not stated): 1000 Genomes Project 0.00120; ExAC 0.00292; gnomAD 0.00306 and 0.00353; gnomAD exomes 0.00331; TOPMed 0.00417.

Submissions (7):

CeGaT Center for Human Genetics Tuebingen
Classification: Benign. Last evaluated: 2026-10-01. Review status: criteria provided, single submitter. Criteria: CeGaT Center For Human Genetics Tuebingen Variant Classification Criteria Version 2. Collection method: clinical testing. Allele origin: germline. Affected: yes. Observed: 42 variant alleles.
Comment: MAGEL2: BS1, BS2

Labcorp Genetics (formerly Invitae), Labcorp
Classification: Benign. Last evaluated: 2026-01-22. Review status: criteria provided, single submitter. Criteria: Invitae Variant Classification Sherloc (09022015). Collection method: clinical testing. Allele origin: germline.

Blueprint Genetics
Classification: Likely benign. Last evaluated: 2024-11-25. Review status: criteria provided, single submitter. Criteria: ACMG Guidelines, 2015. Collection method: clinical testing. Allele origin: germline.

Ambry Genetics
Classification: Likely benign for Inborn genetic diseases. Last evaluated: 2022-03-28. Review status: criteria provided, single submitter. Criteria: Ambry Variant Classification Scheme 2023. Collection method: clinical testing. Allele origin: germline.

GeneDx
Classification: Likely benign. Last evaluated: 2019-10-31. Review status: criteria provided, single submitter. Criteria: GeneDx Variant Classification Process June 2021. Collection method: clinical testing. Allele origin: germline. Affected: yes.

Genetic Services Laboratory, University of Chicago
Classification: Likely benign. Last evaluated: 2017-10-27. Review status: criteria provided, single submitter. Criteria: ACMG Guidelines, 2015. Collection method: clinical testing. Allele origin: germline. Affected: no.

Eurofins Ntd Llc (ga)
Classification: Uncertain significance. Last evaluated: 2014-10-29. Review status: criteria provided, single submitter. Criteria: EGL Classification Definitions 2015. Collection method: clinical testing. Allele origin: germline. Observed: 2 variant alleles, 2 heterozygotes.

NM_019066.5(MAGEL2):c.1286C>T (p.Pro429Leu)

Gene: MAGEL2 (MAGE family member L2; minus strand). Cytogenetic location: 15q11.2.
Variant type: single nucleotide variant.
Coding change: c.1286C>T on transcript NM_019066.5 (MANE Select); coding-DNA position 1286, C replaced by T.
Protein change: p.Pro429Leu; replaces proline 429 with leucine.
Molecular consequence: missense variant.
Genome position (GRCh38, 1-based): chr15:23,646,457, G>A on the plus strand (C>T on the coding strand, the complement: MAGEL2 is on the minus strand). VCF-style: chr15-23646457-G-A. GRCh37 (hg19) VCF-style: chr15-23891604-G-A.
Other names: short protein forms P429L.
Identifiers: ClinVar variation 193401 (VCV000193401.56), dbSNP rs2233061, ClinGen allele CA238917.